The following is an entry in ClinVar:

ClinVar aggregate classification (germline): Uncertain significance. Review status: criteria provided, multiple submitters, no conflicts (2 of 4 stars). 2 submissions from 2 submitters: Uncertain significance (2). Last evaluated 2024-05-13.

Conditions:
Familial sleep-related hypermotor epilepsy. Also called: Autosomal Dominant Sleep-Related Hypermotor (Hyperkinetic) Epilepsy. Identifiers: Orphanet 98784, MedGen C3696898, MONDO:0000030.

Allele frequency attached by ClinVar (database versions not stated): gnomAD exomes 0.00002; ExAC 0.00003; 1000 Genomes Project 0.00020; 1000 Genomes Project 30x 0.00016; gnomAD 0.00001.
gnomAD v4.1: 9 of 1,614,058 alleles (0.00056%); highest among the groups gnomAD compares: Non-Finnish European, 0.00068%; no homozygotes.

Submissions (2):

Labcorp Genetics (formerly Invitae), Labcorp
Classification: Uncertain significance. Last evaluated: 2024-05-13. Review status: criteria provided, single submitter. Criteria: Invitae Variant Classification Sherloc (09022015). Collection method: clinical testing. Allele origin: germline.
Comment: This sequence change replaces arginine, which is basic and polar, with cysteine, which is neutral and slightly polar, at codon 212 of the CHRNB2 protein (p.Arg212Cys). This variant is present in population databases (rs572595325, gnomAD 0.006%). This variant has not been reported in the literature in individuals affected with CHRNB2-related conditions. ClinVar contains an entry for this variant (Variation ID: 643426). Advanced modeling of protein sequence and biophysical properties (such as structural, functional, and spatial information, amino acid conservation, physicochemical variation, residue mobility, and thermodynamic stability) performed at Invitae indicates that this missense variant is not expected to disrupt CHRNB2 protein function with a negative predictive value of 80%. In summary, the available evidence is currently insufficient to determine the role of this variant in disease. Therefore, it has been classified as a Variant of Uncertain Significance.

GeneDx
Classification: Uncertain significance. Last evaluated: 2019-12-27. Review status: criteria provided, single submitter. Criteria: GeneDx Variant Classification Process June 2021. Collection method: clinical testing. Allele origin: germline. Affected: yes.
Comment: In silico analysis, which includes protein predictors and evolutionary conservation, supports a deleterious effect; Has not been previously published as pathogenic or benign to our knowledge

NM_000748.3(CHRNB2):c.634C>T (p.Arg212Cys)

Gene: CHRNB2 (cholinergic receptor nicotinic beta 2 subunit; plus strand). Cytogenetic location: 1q21.3.
Variant type: single nucleotide variant.
Coding change: c.634C>T on transcript NM_000748.3 (MANE Select); coding-DNA position 634, C replaced by T.
Protein change: p.Arg212Cys; replaces arginine 212 with cysteine.
Molecular consequence: missense variant.
Genome position (GRCh38, 1-based): chr1:154,571,457, C>T. VCF-style: chr1-154571457-C-T. GRCh37 (hg19) VCF-style: chr1-154543933-C-T.
Other names: short protein forms R212C.
Identifiers: ClinVar variation 643426 (VCV000643426.12), dbSNP rs572595325, ClinGen allele CA1130754.